The following is an entry in ClinVar:

ClinVar aggregate classification (germline): Likely benign (1 of 4 stars; one submission).

Allele frequency attached by ClinVar (database versions not stated): gnomAD 0.00171.

Submission:

CeGaT Center for Human Genetics Tuebingen
Classification: Likely benign. Last evaluated: 2022-11-01. Review status: criteria provided, single submitter. Criteria: CeGaT Center For Human Genetics Tuebingen Variant Classification Criteria Version 2. Collection method: clinical testing. Allele origin: germline. Affected: yes. Observed: 1 variant allele.
Comment: GRID2IP: BP4, BP7

NM_001145118.2(GRID2IP):c.2271A>C (p.Pro757=)

Gene: GRID2IP (Grid2 interacting protein; minus strand). Cytogenetic location: 7p22.1.
Variant type: single nucleotide variant.
Coding change: c.2271A>C on transcript NM_001145118.2 (MANE Select); coding-DNA position 2271, A replaced by C.
Protein change: p.Pro757=; no amino-acid change (proline 757 retained).
Molecular consequence: synonymous variant.
Genome position (GRCh38, 1-based): chr7:6,508,258, T>G on the plus strand (A>C on the coding strand, the complement: GRID2IP is on the minus strand). VCF-style: chr7-6508258-T-G. GRCh37 (hg19) VCF-style: chr7-6547889-T-G.
Other names: c.1698A>C, p.Pro566= (NM_001388403.1); c.1722A>C, p.Pro574= (NM_001394781.1).
Identifiers: ClinVar variation 2657302 (VCV002657302.24), dbSNP rs897429366, ClinGen allele CA153351747.
Genomic context (GRCh38, chr7:6,508,258, plus strand): 5'-GGAACCATCAGAGCTGCGGGAGCTGGGCTTAGCGTCATGGAAAGGCAGGGGTGGCGGTGG[T>G]GGGGGGCTGAGCGGGGGTGGGGGGATGTGGTCAGAGATGGAGGAGTAGGTCAGGGAGCTG-3'
Protein context (NP_001138590.1, residues 747-767): DHIPPPPLSP[Pro757=]PPPPLPFHDA